The following is an entry in ClinVar:

ClinVar aggregate classification (germline): Likely benign (1 of 4 stars; one submission).

Allele frequency attached by ClinVar (database versions not stated): TOPMed 0.00001.

Submission:

GeneDx
Classification: Likely benign. Last evaluated: 2017-12-08. Review status: criteria provided, single submitter. Criteria: GeneDx Variant Classification (06012015). Collection method: clinical testing. Allele origin: germline. Affected: yes.
Comment: This variant is considered likely benign or benign based on one or more of the following criteria: it is a conservative change, it occurs at a poorly conserved position in the protein, it is predicted to be benign by multiple in silico algorithms, and/or has population frequency not consistent with disease.

NM_000899.5(KITLG):c.-16A>C

Gene: KITLG (KIT ligand; minus strand). Cytogenetic location: 12q21.32.
Variant type: single nucleotide variant.
Coding change: c.-16A>C on transcript NM_000899.5 (MANE Select); 16 bases upstream of the start codon, A replaced by C.
Molecular consequence: 5 prime UTR variant.
Genome position (GRCh38, 1-based): chr12:88,580,294, T>G on the plus strand (A>C on the coding strand, the complement: KITLG is on the minus strand). VCF-style: chr12-88580294-T-G. GRCh37 (hg19) VCF-style: chr12-88974071-T-G.
Other names: c.-16A>C (NM_003994.6).
Identifiers: ClinVar variation 513634 (VCV000513634.1), dbSNP rs768599104, ClinGen allele CA658797941.
Genomic context (GRCh38, chr12:88,580,294, plus strand): 5'-CCTGGGAGCTCCCGGGCGCGCCCTACTCACTTGTGTCTTCTTCATAAGGAAAGGCAGCGC[T>G]GCGATCCAGCACAAACAGTGGTGTGGCGACTCCGTTTAGCTGTTCTGGAGCTCCAGCATA-3'